The following is an entry in ClinVar:

ClinVar aggregate classification (germline): Conflicting classifications of pathogenicity. Review status: criteria provided, conflicting classifications (1 of 4 stars). 6 submissions from 6 submitters: Uncertain significance (4); Likely benign (1). 1 of the submissions does not count toward it. Last evaluated 2026-01-04.

Conditions:
Hereditary cancer-predisposing syndrome. Also called: Tumor predisposition; Neoplastic Syndromes, Hereditary; Hereditary neoplastic syndrome; Hereditary Cancer Syndrome. Identifiers: Orphanet 140162, MedGen C0027672, MeSH D009386, MONDO:0015356.
Ataxia-telangiectasia syndrome (AT). Also called: LOUIS-BAR SYNDROME; Ataxia-telangiectasia, complementation group D; AT, COMPLEMENTATION GROUP C; ATAXIA-TELANGIECTASIA, COMPLEMENTATION GROUP A; ATAXIA-TELANGIECTASIA, FRESNO VARIANT; Ataxia-telangiectasia. Identifiers: Orphanet 100, MedGen C0004135, MONDO:0008840, OMIM 208900.

Allele frequency attached by ClinVar (database versions not stated): gnomAD exomes below 0.00001.
gnomAD v4.1: 12 of 1,613,610 alleles (0.00074%); highest among the groups gnomAD compares: Admixed American, 0.0017%; no homozygotes.

Submissions (6):

Labcorp Genetics (formerly Invitae), Labcorp
Classification: Uncertain significance for Ataxia-telangiectasia syndrome. Last evaluated: 2026-01-04. Review status: criteria provided, single submitter. Criteria: Invitae Variant Classification Sherloc (09022015). Collection method: clinical testing. Allele origin: germline.
Comment: This sequence change replaces valine, which is neutral and non-polar, with leucine, which is neutral and non-polar, at codon 1486 of the ATM protein (p.Val1486Leu). This variant is present in population databases (rs786203352, gnomAD 0.003%). This variant has not been reported in the literature in individuals affected with ATM-related conditions. ClinVar contains an entry for this variant (Variation ID: 186957). Invitae Evidence Modeling of protein sequence and biophysical properties (such as structural, functional, and spatial information, amino acid conservation, physicochemical variation, residue mobility, and thermodynamic stability) indicates that this missense variant is not expected to disrupt ATM protein function with a negative predictive value of 95%. In summary, the available evidence is currently insufficient to determine the role of this variant in disease. Therefore, it has been classified as a Variant of Uncertain Significance.

Blueprint Genetics
Classification: Uncertain significance. Last evaluated: 2024-05-20. Review status: criteria provided, single submitter. Criteria: ACMG Guidelines, 2015. Collection method: clinical testing. Allele origin: germline.

Color Diagnostics, LLC DBA Color Health
Classification: Uncertain significance for Hereditary cancer-predisposing syndrome. Last evaluated: 2023-11-06. Review status: criteria provided, single submitter. Criteria: ACMG Guidelines, 2015. Collection method: clinical testing. Allele origin: germline.
Comment: This missense variant replaces valine with leucine at codon 1486 of the ATM protein. Computational prediction suggests that this variant may not impact protein structure and function (internally defined REVEL score threshold <= 0.5, PMID: 27666373). To our knowledge, functional studies have not been reported for this variant. This variant has not been reported in individuals affected with ATM-related disorders in the literature. This variant has been identified in 1/251264 chromosomes in the general population by the Genome Aggregation Database (gnomAD). The available evidence is insufficient to determine the role of this variant in disease conclusively. Therefore, this variant is classified as a Variant of Uncertain Significance.

GeneDx
Classification: Uncertain significance. Last evaluated: 2023-08-25. Review status: criteria provided, single submitter. Criteria: GeneDx Variant Classification Process June 2021. Collection method: clinical testing. Allele origin: germline. Affected: yes.
Comment: Not observed at significant frequency in large population cohorts (gnomAD); In silico analysis supports that this missense variant does not alter protein structure/function; Has not been previously published as pathogenic or benign to our knowledge

Ambry Genetics
Classification: Likely benign for Hereditary cancer-predisposing syndrome. Last evaluated: 2022-02-28. Review status: criteria provided, single submitter. Criteria: Ambry Variant Classification Scheme 2023. Collection method: clinical testing. Allele origin: germline.

Natera, Inc.
Classification: Uncertain significance for Ataxia-telangiectasia. Last evaluated: 2021-06-22. Review status: no assertion criteria provided. Collection method: clinical testing. Allele origin: germline. Not counted in ClinVar's aggregate classification.

NM_000051.4(ATM):c.4456G>C (p.Val1486Leu)

Gene: ATM (ATM serine/threonine kinase; plus strand). Cytogenetic location: 11q22.3.
Variant type: single nucleotide variant.
Coding change: c.4456G>C on transcript NM_000051.4 (MANE Select); coding-DNA position 4456, G replaced by C.
Protein change: p.Val1486Leu; replaces valine 1486 with leucine.
Molecular consequence: missense variant.
Genome position (GRCh38, 1-based): chr11:108,292,638, G>C. VCF-style: chr11-108292638-G-C. GRCh37 (hg19) VCF-style: chr11-108163365-G-C.
Other names: c.4456G>C, p.Val1486Leu (NM_001351834.2); short protein forms V1486L.
Identifiers: ClinVar variation 186957 (VCV000186957.21), dbSNP rs786203352, ClinGen allele CA196339.